The following is an entry in ClinVar:

NM_004787.4(SLIT2):c.905T>C (p.Ile302Thr)

Gene: SLIT2 (slit guidance ligand 2; plus strand). Cytogenetic location: 4p15.31.
Variant type: single nucleotide variant.
Coding change: c.905T>C on transcript NM_004787.4 (MANE Select); coding-DNA position 905, T replaced by C.
Protein change: p.Ile302Thr; replaces isoleucine 302 with threonine.
Molecular consequence: missense variant.
Genome position (GRCh38, 1-based): chr4:20,491,890, T>C. VCF-style: chr4-20491890-T-C. GRCh37 (hg19) VCF-style: chr4-20493513-T-C.
Other names: c.917T>C, p.Ile306Thr (NM_001289135.3); c.905T>C, p.Ile302Thr (NM_001289136.3); short protein forms I302T, I306T.
Identifiers: ClinVar variation 3685980 (VCV003685980.2).

ClinVar aggregate classification (germline): Uncertain significance (1 of 4 stars; one submission).

gnomAD v4.1: 1 of 1,612,846 alleles (0.000062%); highest among the groups gnomAD compares: East Asian, 0.0022%; no homozygotes.

Submission:

Labcorp Genetics (formerly Invitae), Labcorp
Classification: Uncertain significance. Last evaluated: 2024-10-02. Review status: criteria provided, single submitter. Criteria: Invitae Variant Classification Sherloc (09022015). Collection method: clinical testing. Allele origin: germline.
Comment: This sequence change replaces isoleucine, which is neutral and non-polar, with threonine, which is neutral and polar, at codon 302 of the SLIT2 protein (p.Ile302Thr). The frequency data for this variant in the population databases is considered unreliable, as metrics indicate poor data quality at this position in the gnomAD database. This variant has not been reported in the literature in individuals affected with SLIT2-related conditions. An algorithm developed to predict the effect of missense changes on protein structure and function (PolyPhen-2) suggests that this variant is likely to be disruptive. In summary, the available evidence is currently insufficient to determine the role of this variant in disease. Therefore, it has been classified as a Variant of Uncertain Significance.